The following is an entry in ClinVar:

GRCh37/hg19 1p36.32-36.23(chr1:2454930-8142590)x1

Genes: ACOT7 (acyl-CoA thioesterase 7; minus strand), ACTRT2 (actin related protein T2; plus strand), AJAP1 (adherens junctions associated protein 1; plus strand), ARHGEF16 (Rho guanine nucleotide exchange factor 16; plus strand), C1orf174 (chromosome 1 open reading frame 174; minus strand) and 43 more. Cytogenetic location: 1p36.32-36.23.
Variant type: copy number loss.
Change: copy number 1 (one copy instead of two) of chr1:2,454,930-8,142,590 (5.69 Mb, GRCh37 coordinates, 1-based), cytogenetic band 1p36.32-36.23.
Identifiers: ClinVar variation 3391869 (VCV003391869.1).

ClinVar aggregate classification (germline): Pathogenic (1 of 4 stars; one submission).

Submission:

Quest Diagnostics Nichols Institute San Juan Capistrano
Classification: Pathogenic. Last evaluated: 2023-09-20. Review status: criteria provided, single submitter. Criteria: ACMG/ClinGen CNV Guidelines, 2019. Collection method: clinical testing. Allele origin: unknown.
Comment: This deletion involves gene CAMTA1 (OMIM 611501) and significantly overlaps the 1p36 syndromic region (ISCA-37434; Shimada 2015, Seo 2016, Gajecka 2007, Jordan 2015, Shimada 2015, Seo 2016). Haploinsufficiency of CAMTA1 is associated with cerebellar dysfunction with variable cognitive and behavioral abnormalities (OMIM 614756; CCID:006783). Based on current medical literature and gene count, this copy number variant (CNV) is classified as pathogenic. References: Gajecka et al., Am J Med Genet C Semin Med Genet. 2007 Nov 15;145C(4):346-56. PMID: 17918734; Jordan et al., Appl Clin Genet. 2015 Aug 27;8:189-200. PMID: 26345236; Shimada et al., Brain Dev. 2015 May;37(5):515-26. PMID: 25172301; Seo et al., Korean J Pediatr. 2016 Jan;59(1):16-23. PMID: 26893599